The following is an entry in ClinVar:

ClinVar aggregate classification (germline): Uncertain significance. Review status: criteria provided, multiple submitters, no conflicts (2 of 4 stars). 4 submissions from 4 submitters: Uncertain significance (4). Last evaluated 2025-08-20.

Conditions:
Inborn genetic diseases. Identifiers: MedGen C0950123, MeSH D030342.
Cerebroretinal microangiopathy with calcifications and cysts 1 (CRMCC1). Identifiers: Orphanet 313838, MedGen C4552029, MONDO:0024564, OMIM 612199.
Dyskeratosis congenita. Identifiers: Orphanet 1775, MedGen C0265965, MONDO:0015780.

Allele frequency attached by ClinVar (database versions not stated): TOPMed 0.00002; gnomAD exomes 0.00004; ExAC 0.00005; gnomAD 0.00006.
gnomAD v4.1: 88 of 1,614,044 alleles (0.0055%); highest among the groups gnomAD compares: Middle Eastern, 0.016%; no homozygotes.

Submissions (4):

Ambry Genetics
Classification: Uncertain significance for Inborn genetic diseases. Last evaluated: 2025-08-20. Review status: criteria provided, single submitter. Criteria: Ambry Variant Classification Scheme 2023. Collection method: clinical testing. Allele origin: germline.

Labcorp Genetics (formerly Invitae), Labcorp
Classification: Uncertain significance for Dyskeratosis congenita. Last evaluated: 2024-10-16. Review status: criteria provided, single submitter. Criteria: Invitae Variant Classification Sherloc (09022015). Collection method: clinical testing. Allele origin: germline.
Comment: This sequence change replaces threonine, which is neutral and polar, with methionine, which is neutral and non-polar, at codon 199 of the CTC1 protein (p.Thr199Met). This variant is present in population databases (rs747323535, gnomAD 0.01%). This variant has not been reported in the literature in individuals affected with CTC1-related conditions. ClinVar contains an entry for this variant (Variation ID: 326085). Invitae Evidence Modeling of protein sequence and biophysical properties (such as structural, functional, and spatial information, amino acid conservation, physicochemical variation, residue mobility, and thermodynamic stability) indicates that this missense variant is not expected to disrupt CTC1 protein function with a negative predictive value of 80%. In summary, the available evidence is currently insufficient to determine the role of this variant in disease. Therefore, it has been classified as a Variant of Uncertain Significance.

Genome-Nilou Lab
Classification: Uncertain significance for Cerebroretinal microangiopathy with calcifications and cysts 1. Last evaluated: 2021-07-15. Review status: criteria provided, single submitter. Criteria: ACMG Guidelines, 2015. Collection method: clinical testing. Allele origin: germline. Affected: no.

Illumina Laboratory Services, Illumina
Classification: Uncertain significance for Dyskeratosis congenita. Last evaluated: 2018-01-13. Review status: criteria provided, single submitter. Criteria: ICSL Variant Classification Criteria 13 December 2019. Collection method: clinical testing. Allele origin: germline.

NM_025099.6(CTC1):c.596C>T (p.Thr199Met)

Gene: CTC1 (CST telomere replication complex component 1; minus strand). Cytogenetic location: 17p13.1.
Variant type: single nucleotide variant.
Coding change: c.596C>T on transcript NM_025099.6 (MANE Select); coding-DNA position 596, C replaced by T.
Protein change: p.Thr199Met; replaces threonine 199 with methionine.
Molecular consequence: missense variant. On other transcripts: non-coding transcript variant (1).
Genome position (GRCh38, 1-based): chr17:8,238,082, G>A on the plus strand (C>T on the coding strand, the complement: CTC1 is on the minus strand). VCF-style: chr17-8238082-G-A. GRCh37 (hg19) VCF-style: chr17-8141400-G-A.
Other names: short protein forms T199M.
Identifiers: ClinVar variation 326085 (VCV000326085.13), dbSNP rs747323535, ClinGen allele CA8372603.